The following is an entry in ClinVar:

NM_000026.4(ADSL):c.785T>C (p.Val262Ala)

Gene: ADSL (adenylosuccinate lyase; plus strand). Cytogenetic location: 22q13.1.
Variant type: single nucleotide variant.
Coding change: c.785T>C on transcript NM_000026.4 (MANE Select); coding-DNA position 785, T replaced by C.
Protein change: p.Val262Ala; replaces valine 262 with alanine.
Molecular consequence: missense variant. On other transcripts: non-coding transcript variant (1).
Genome position (GRCh38, 1-based): chr22:40,360,485, T>C. VCF-style: chr22-40360485-T-C. GRCh37 (hg19) VCF-style: chr22-40756489-T-C.
Other names: c.785T>C, p.Val262Ala (NM_001123378.3, NM_001363840.3); c.593T>C, p.Val198Ala (NM_001317923.2); short protein forms V262A, V198A.
Identifiers: ClinVar variation 937304 (VCV000937304.9), dbSNP rs2044740915, ClinGen allele CA411642827.

ClinVar aggregate classification (germline): Uncertain significance (1 of 4 stars; one submission).

Conditions:
Adenylosuccinate lyase deficiency (ADSLD). Also called: ADSL DEFICIENCY. Identifiers: Orphanet 46, MedGen C0268126, MONDO:0007068, OMIM 103050.

Submission:

Labcorp Genetics (formerly Invitae), Labcorp
Classification: Uncertain significance for Adenylosuccinate lyase deficiency. Last evaluated: 2019-10-01. Review status: criteria provided, single submitter. Criteria: Invitae Variant Classification Sherloc (09022015). Collection method: clinical testing. Allele origin: germline.
Comment: This variant is not present in population databases (ExAC no frequency). This sequence change replaces valine with alanine at codon 262 of the ADSL protein (p.Val262Ala). The valine residue is moderately conserved and there is a small physicochemical difference between valine and alanine. In summary, the available evidence is currently insufficient to determine the role of this variant in disease. Therefore, it has been classified as a Variant of Uncertain Significance. Algorithms developed to predict the effect of missense changes on protein structure and function are either unavailable or do not agree on the potential impact of this missense change (SIFT: "Tolerated"; PolyPhen-2: "Possibly Damaging"; Align-GVGD: "Class C0"). This variant has not been reported in the literature in individuals with ADSL-related conditions.